The following is an entry in ClinVar:

NM_001267550.2(TTN):c.68824+1G>A

Genes: TTN (titin; minus strand), TTN-AS1 (TTN antisense RNA 1; plus strand). Cytogenetic location: 2q31.2.
Variant type: single nucleotide variant.
Coding change: c.68824+1G>A on transcript NM_001267550.2 (MANE Select); the canonical splice donor site of the intron after coding-DNA position 68824, G replaced by A.
Molecular consequence: splice donor variant.
Genome position (GRCh38, 1-based): chr2:178,577,601, C>T on the plus strand (G>A on the coding strand, the complement: TTN is on the minus strand). VCF-style: chr2-178577601-C-T. GRCh37 (hg19) VCF-style: chr2-179442328-C-T.
Other names: c.41629+1G>A (NM_003319.4); c.42205+1G>A (NM_133437.4); c.42004+1G>A (NM_133432.3); c.61120+1G>A (NM_133378.4); c.63901+1G>A (NM_001256850.1).
Identifiers: ClinVar variation 191910 (VCV000191910.5), dbSNP rs112484439, ClinGen allele CA237848.

ClinVar aggregate classification (germline): Conflicting classifications of pathogenicity. Review status: criteria provided, conflicting classifications (1 of 4 stars). 3 submissions from 3 submitters: Likely pathogenic (1); Uncertain significance (2). Last evaluated 2024-03-06.

Conditions:
Dilated cardiomyopathy 1G (CMD1G). Identifiers: Orphanet 154, MedGen C1858763, MONDO:0011400, OMIM 604145.
Autosomal recessive limb-girdle muscular dystrophy type 2J (LGMDR10). Also called: Limb-girdle muscular dystrophy, type 2J; MUSCULAR DYSTROPHY, LIMB-GIRDLE, AUTOSOMAL RECESSIVE 10. Identifiers: Orphanet 140922, MedGen C1837342, MONDO:0012127, OMIM 608807.
Spinal rigidity. Identifiers: MedGen C1858025, HP:0003306.
Thoracic kyphoscoliosis. Identifiers: MedGen C4015465, HP:0005659.
Bilateral talipes equinovarus. Also called: Bilateral clubfoot. Identifiers: MedGen C1837835, HP:0001776.
Restrictive ventilatory defect. Also called: Restrictive deficit on pulmonary function testing. Identifiers: MedGen C3277226, HP:0002091.
Areflexia of lower limbs. Identifiers: MedGen C1856694, HP:0002522.

Submissions (3):

Labcorp Genetics (formerly Invitae), Labcorp
Classification: Likely pathogenic for Dilated cardiomyopathy 1G; Autosomal recessive limb-girdle muscular dystrophy type 2J. Last evaluated: 2024-03-06. Review status: criteria provided, single submitter. Criteria: Invitae Variant Classification Sherloc (09022015). Collection method: clinical testing. Allele origin: germline.
Comment: This sequence change affects a donor splice site in intron 323 of the TTN gene. It is expected to disrupt RNA splicing and likely results in a truncated or disrupted TTN protein. This variant is not present in population databases (gnomAD no frequency). This variant has not been reported in the literature in individuals affected with TTN-related conditions. ClinVar contains an entry for this variant (Variation ID: 191910). Algorithms developed to predict the effect of sequence changes on RNA splicing suggest that this variant may disrupt the consensus splice site. This variant is located in the A band of TTN (PMID: 25589632). Truncating variants in this region are significantly overrepresented in patients affected with dilated cardiomyopathy (PMID: 25589632). Truncating variants in this region have also been reported in individuals affected with autosomal recessive centronuclear myopathy (PMID: 23975875). In summary, the currently available evidence indicates that the variant is pathogenic, but additional data are needed to prove that conclusively. Therefore, this variant has been classified as Likely Pathogenic.

Centre for Mendelian Genomics, University Medical Centre Ljubljana
Classification: Uncertain significance for Areflexia of lower limbs; Bilateral talipes equinovarus; Restrictive ventilatory defect; Spinal rigidity; Thoracic kyphoscoliosis. Last evaluated: 2014-06-11. Review status: criteria provided, single submitter. Criteria: ACMG Guidelines, 2015. Collection method: clinical testing. Allele origin: unknown. Affected: yes.

Biesecker Lab/Clinical Genomics Section, National Institutes of Health
Classification: Uncertain significance. Last evaluated: 2013-06-24. Review status: criteria provided, single submitter. Criteria: Ng et al. (Circ Cardiovasc Genet. 2013). Collection method: research. Allele origin: unknown. Observed: 1 variant allele. Study: ClinSeq.
Comment: The study set was not selected for affection status in relation to any cancer. Pathogenicity categories were based on literature curation. See Pubmed ID:23861362 for details.

Medical sequencing

Literature cited by the submitters: PubMed 25589632 (cited by Labcorp Genetics (formerly Invitae), Labcorp); PubMed 23975875 (cited by Labcorp Genetics (formerly Invitae), Labcorp).